The following is an entry in ClinVar:

NM_003632.3(CNTNAP1):c.3764G>A (p.Arg1255His)

Gene: CNTNAP1 (contactin associated protein 1; plus strand). Cytogenetic location: 17q21.2.
Variant type: single nucleotide variant.
Coding change: c.3764G>A on transcript NM_003632.3 (MANE Select); coding-DNA position 3764, G replaced by A.
Protein change: p.Arg1255His; replaces arginine 1255 with histidine.
Molecular consequence: missense variant.
Genome position (GRCh38, 1-based): chr17:42,697,749, G>A. VCF-style: chr17-42697749-G-A. GRCh37 (hg19) VCF-style: chr17-40849767-G-A.
Other names: c.3764G>A (NM_003632.2); short protein forms R1255H.
Identifiers: ClinVar variation 1353508 (VCV001353508.9), dbSNP rs371692918, ClinGen allele CA8582442.

ClinVar aggregate classification (germline): Uncertain significance. Review status: criteria provided, multiple submitters, no conflicts (2 of 4 stars). 3 submissions from 3 submitters: Uncertain significance (3). Last evaluated 2025-01-20.

Conditions:
Inborn genetic diseases. Identifiers: MedGen C0950123, MeSH D030342.

Allele frequency attached by ClinVar (database versions not stated): ESP Exome Variant Server 0.00008; TOPMed 0.00008; gnomAD 0.00009 and 0.00011; gnomAD exomes 0.00011 and 0.00014; ExAC 0.00016.
gnomAD v4.1: 188 of 1,614,154 alleles (0.012%); highest among the groups gnomAD compares: South Asian, 0.037%; 1 homozygote.

Submissions (3):

Labcorp Genetics (formerly Invitae), Labcorp
Classification: Uncertain significance. Last evaluated: 2025-01-20. Review status: criteria provided, single submitter. Criteria: Invitae Variant Classification Sherloc (09022015). Collection method: clinical testing. Allele origin: germline.
Comment: This sequence change replaces arginine, which is basic and polar, with histidine, which is basic and polar, at codon 1255 of the CNTNAP1 protein (p.Arg1255His). This variant is present in population databases (rs371692918, gnomAD 0.03%). This variant has not been reported in the literature in individuals affected with CNTNAP1-related conditions. ClinVar contains an entry for this variant (Variation ID: 1353508). An algorithm developed to predict the effect of missense changes on protein structure and function outputs the following: PolyPhen-2: "Benign". The histidine amino acid residue is found in multiple mammalian species, which suggests that this missense change does not adversely affect protein function. In summary, the available evidence is currently insufficient to determine the role of this variant in disease. Therefore, it has been classified as a Variant of Uncertain Significance.

GeneDx
Classification: Uncertain significance. Last evaluated: 2025-01-12. Review status: criteria provided, single submitter. Criteria: GeneDx Variant Classification Process June 2021. Collection method: clinical testing. Allele origin: germline. Affected: yes.
Comment: In silico analysis indicates that this missense variant does not alter protein structure/function; Has not been previously published as pathogenic or benign to our knowledge

Ambry Genetics
Classification: Uncertain significance for Inborn genetic diseases. Last evaluated: 2021-09-22. Review status: criteria provided, single submitter. Criteria: Ambry Variant Classification Scheme 2023. Collection method: clinical testing. Allele origin: germline.